The following is an entry in ClinVar:

NM_015021.3(ZNF292):c.7498G>A (p.Val2500Ile)

Gene: ZNF292 (zinc finger protein 292; plus strand). Cytogenetic location: 6q14.3.
Variant type: single nucleotide variant.
Coding change: c.7498G>A on transcript NM_015021.3 (MANE Select); coding-DNA position 7498, G replaced by A.
Protein change: p.Val2500Ile; replaces valine 2500 with isoleucine.
Molecular consequence: missense variant.
Genome position (GRCh38, 1-based): chr6:87,261,127, G>A. VCF-style: chr6-87261127-G-A. GRCh37 (hg19) VCF-style: chr6-87970845-G-A.
Other names: c.7078G>A, p.Val2360Ile (NM_001351444.2); c.7498G>A (NM_015021.1); short protein forms V2360I, V2500I.
Identifiers: ClinVar variation 1686393 (VCV001686393.24), dbSNP rs915267492, ClinGen allele CA364943639.

ClinVar aggregate classification (germline): Conflicting classifications of pathogenicity. Review status: criteria provided, conflicting classifications (1 of 4 stars). 3 submissions from 3 submitters: Uncertain significance (1); Benign (1); Likely benign (1). Last evaluated 2024-06-10.

Conditions:
Inborn genetic diseases. Identifiers: MedGen C0950123, MeSH D030342.

gnomAD v4.1: 11 of 1,612,728 alleles (0.00068%); highest among the groups gnomAD compares: Admixed American, 0.005%; no homozygotes.

Submissions (3):

Ambry Genetics
Classification: Uncertain significance for Inborn genetic diseases. Last evaluated: 2024-06-10. Review status: criteria provided, single submitter. Criteria: Ambry Variant Classification Scheme 2023. Collection method: clinical testing. Allele origin: germline.

CeGaT Center for Human Genetics Tuebingen
Classification: Likely benign. Last evaluated: 2024-02-01. Review status: criteria provided, single submitter. Criteria: CeGaT Center For Human Genetics Tuebingen Variant Classification Criteria Version 2. Collection method: clinical testing. Allele origin: germline. Affected: yes. Observed: 1 variant allele.
Comment: ZNF292: BP4, BS2

Mendelics
Classification: Benign. Last evaluated: 2022-05-04. Review status: criteria provided, single submitter. Criteria: Mendelics Assertion Criteria 2019. Collection method: clinical testing. Allele origin: germline.